The following is an entry in ClinVar:

NM_201253.3(CRB1):c.2537G>A (p.Gly846Glu)

Gene: CRB1 (crumbs cell polarity complex component 1; plus strand). Cytogenetic location: 1q31.3.
Variant type: single nucleotide variant.
Coding change: c.2537G>A on transcript NM_201253.3 (MANE Select); coding-DNA position 2537, G replaced by A.
Protein change: p.Gly846Glu; replaces glycine 846 with glutamic acid.
Molecular consequence: missense variant. On other transcripts: non-coding transcript variant (2), intron variant (1).
Genome position (GRCh38, 1-based): chr1:197,427,862, G>A. VCF-style: chr1-197427862-G-A. GRCh37 (hg19) VCF-style: chr1-197396992-G-A.
Other names: c.2201G>A, p.Gly734Glu (NM_001193640.2); c.2330G>A, p.Gly777Glu (NM_001257965.2); c.2128+5906G>A (NM_001257966.2); short protein forms G734E, G777E, G846E.
Identifiers: ClinVar variation 1067601 (VCV001067601.9), dbSNP rs772476137, ClinGen allele CA1312135.

ClinVar aggregate classification (germline): Likely pathogenic (1 of 4 stars; one submission).

Conditions:
Retinitis pigmentosa 12 (RP12). Also called: RP WITH OR WITHOUT PPRPE; RP WITH OR WITHOUT PRESERVED PARAARTERIOLE RETINAL PIGMENT EPITHELIUM; RETINITIS PIGMENTOSA WITH OR WITHOUT PARAARTERIOLAR PRESERVATION OF RETINAL PIGMENT EPITHELIUM. Identifiers: Orphanet 791, MedGen C1838647, MONDO:0010818, OMIM 600105.
Leber congenital amaurosis 8 (LCA8). Identifiers: Orphanet 65, MedGen C3151202, MONDO:0013453, OMIM 613835.

Allele frequency attached by ClinVar (database versions not stated): gnomAD exomes below 0.00001; ExAC 0.00001.
gnomAD v4.1: 1 of 1,613,964 alleles (0.000062%); highest among the groups gnomAD compares: Non-Finnish European, 0.000085%; no homozygotes.

Submission:

Labcorp Genetics (formerly Invitae), Labcorp
Classification: Likely pathogenic for Leber congenital amaurosis 8; Retinitis pigmentosa 12. Last evaluated: 2022-10-31. Review status: criteria provided, single submitter. Criteria: Invitae Variant Classification Sherloc (09022015). Collection method: clinical testing. Allele origin: germline.
Comment: This variant is present in population databases (rs772476137, gnomAD 0.0009%). This sequence change replaces glycine, which is neutral and non-polar, with glutamic acid, which is acidic and polar, at codon 846 of the CRB1 protein (p.Gly846Glu). This variant has not been reported in the literature in individuals affected with CRB1-related conditions. In summary, the currently available evidence indicates that the variant is pathogenic, but additional data are needed to prove that conclusively. Therefore, this variant has been classified as Likely Pathogenic. This variant disrupts the p.Gly846 amino acid residue in CRB1. Other variant(s) that disrupt this residue have been determined to be pathogenic (PMID: 12573663, 20956273, 28341476). This suggests that this residue is clinically significant, and that variants that disrupt this residue are likely to be disease-causing. Advanced modeling of protein sequence and biophysical properties (such as structural, functional, and spatial information, amino acid conservation, physicochemical variation, residue mobility, and thermodynamic stability) performed at Invitae indicates that this missense variant is expected to disrupt CRB1 protein function. ClinVar contains an entry for this variant (Variation ID: 1067601).

Literature cited by the submitters: PubMed 12573663; PubMed 20956273; PubMed 28341476.